The following is an entry in ClinVar:

NM_003011.4(SET):c.550G>A (p.Glu184Lys)

Gene: SET (SET nuclear proto-oncogene; plus strand). Cytogenetic location: 9q34.11.
Variant type: single nucleotide variant.
Coding change: c.550G>A on transcript NM_003011.4 (MANE Select); coding-DNA position 550, G replaced by A.
Protein change: p.Glu184Lys; replaces glutamic acid 184 with lysine.
Molecular consequence: missense variant.
Genome position (GRCh38, 1-based): chr9:128,693,695, G>A. VCF-style: chr9-128693695-G-A. GRCh37 (hg19) VCF-style: chr9-131455974-G-A.
Other names: c.589G>A, p.Glu197Lys (NM_001122821.2, NM_001374326.1); c.523G>A, p.Glu175Lys (NM_001248000.2); c.517G>A, p.Glu173Lys (NM_001248001.2); short protein forms E173K, E175K, E184K, E197K.
Identifiers: ClinVar variation 2663182 (VCV002663182.1), dbSNP rs2490439977, ClinGen allele CA375060869.

ClinVar aggregate classification (germline): Uncertain significance (1 of 4 stars; one submission).

Submission:

GeneDx
Classification: Uncertain significance. Last evaluated: 2023-05-09. Review status: criteria provided, single submitter. Criteria: GeneDx Variant Classification Process June 2021. Collection method: clinical testing. Allele origin: germline. Affected: yes.
Comment: Not observed at significant frequency in large population cohorts (gnomAD); In silico analysis supports that this missense variant does not alter protein structure/function; Has not been previously published as pathogenic or benign to our knowledge